The following is an entry in ClinVar:

ClinVar aggregate classification (germline): Likely pathogenic. Review status: criteria provided, multiple submitters, no conflicts (2 of 4 stars). 4 submissions from 4 submitters: Likely pathogenic (4). Last evaluated 2025-01-08.

Conditions:
Menkes kinky-hair syndrome (MNK). Also called: Copper transport disease; Menkes Disease; Classic Menkes Disease. Identifiers: Orphanet 565, MedGen C0022716, MONDO:0010651, OMIM 309400.

Submissions (4):

3billion
Classification: Likely pathogenic for Menkes kinky-hair syndrome. Last evaluated: 2025-01-08. Review status: criteria provided, single submitter. Criteria: ACMG Guidelines, 2015. Collection method: clinical testing. Allele origin: germline. Affected: yes.
Comment: The variant is not observed in the gnomAD v4.1.0 dataset. Predicted Consequence/Location: Missense variant. The majority of the known disease-causing variants of this gene are variants expected to result in premature termination of the protein. In silico tool predictions suggest damaging effect of the variant on gene or gene product [REVEL: 0.99 (>=0.6, sensitivity 0.68 and specificity 0.92); 3Cnet: 0.99 (>=0.6, sensitivity 0.72 and precision 0.9)]. The same nucleotide change resulting in the same amino acid change has been previously reported as pathogenic/likely pathogenic with strong evidence (ClinVar ID: VCV000423830 /PMID: 30809870). Therefore, this variant is classified as Likely pathogenic according to the recommendation of ACMG/AMP guideline.

Women's Health and Genetics/Laboratory Corporation of America, LabCorp
Classification: Likely pathogenic for Menkes kinky-hair syndrome. Last evaluated: 2022-08-04. Review status: criteria provided, single submitter. Criteria: LabCorp Variant Classification Summary - May 2015. Collection method: clinical testing. Allele origin: germline.
Comment: Variant summary: ATP7A c.3137C>T (p.Thr1046Ile) results in a non-conservative amino acid change located in the P-type ATPase, haloacid dehalogenase domain of the encoded protein sequence. Five of five in-silico tools predict a damaging effect of the variant on protein function. The variant was absent in 183387 control chromosomes. c.3137C>T has been reported in the literature in individuals affected with Menkes Kinky-Hair Syndrome (Gu_2014, Fijisawa_2019, Shur_2021). These data indicate that the variant may be associated with disease. Other variants located nearby have been reported in association with Menkes Syndrome in HGMD (eg. p.D1044G, p.T1048I, etc). To our knowledge, no experimental evidence demonstrating an impact on protein function has been reported. Two clinical diagnostic laboratories have submitted clinical-significance assessments for this variant to ClinVar after 2014 without evidence for independent evaluation. All laboratories classified the variant as likely pathogenic. Based on the evidence outlined above, the variant was classified as likely pathogenic.

Rady Children's Institute for Genomic Medicine, Rady Children's Hospital San Diego
Classification: Likely pathogenic for MENKES DISEASE. Last evaluated: 2019-12-10. Review status: criteria provided, single submitter. Criteria: ACMG Guidelines, 2015. Collection method: clinical testing. Allele origin: germline. Affected: yes.
Comment: The p.Thr1046Ile variant has been reported in two affected patients (PMID: 25150085, 30809870). The variant also has an entry by a clinical laboratory in the ClinVar database as likely pathogenic (Variation ID: 423830). It is absent from the ExAC and gnomAD population databases and thus is presumed to be rare. In silico analyses support a deleterious effect of the c.3137C>T (p.Thr1046Ile) variant on protein function. This result was confirmed by Sanger sequencing. Based on the available evidence, the c.3137C>T (p.Thr1046Ile) variant is classified as Likely Pathogenic.

GeneDx
Classification: Likely pathogenic. Last evaluated: 2018-01-31. Review status: criteria provided, single submitter. Criteria: GeneDx Variant Classification (06012015). Collection method: clinical testing. Allele origin: germline. Affected: yes.
Comment: The T1046I variant is not observed in large population cohorts (Lek et al., 2016; 1000 Genomes Consortium et al., 2015; Exome Variant Server). The T1046I variant is a non-conservative amino acid substitution, which is likely to impact secondary protein structure as these residues differ in polarity, charge, size and/or other properties. In addition, this substitution occurs at a position that is conserved across species, and in silico analysis predicts this variant is probably damaging to the protein structure/function. Missense variants in nearby residues (D1044G and T1048I) have been reported in the Human Gene Mutation Database in association with Menkes disease (Stenson et al., 2014), supporting the functional importance of this region of the protein. The T1046I variant is a strong candidate for a pathogenic variant, however the possibility it may be a rare benign variant cannot be excluded.

Literature cited by the submitters: PubMed 30809870 (cited by 3billion and Women's Health and Genetics/Laboratory Corporation of America, LabCorp); PubMed 25150085 (cited by Women's Health and Genetics/Laboratory Corporation of America, LabCorp); PubMed 33999244 (cited by Women's Health and Genetics/Laboratory Corporation of America, LabCorp).

NM_000052.7(ATP7A):c.3137C>T (p.Thr1046Ile)

Gene: ATP7A (ATPase copper transporting alpha; plus strand). Cytogenetic location: Xq21.1.
Variant type: single nucleotide variant.
Coding change: c.3137C>T on transcript NM_000052.7 (MANE Select); coding-DNA position 3137, C replaced by T.
Protein change: p.Thr1046Ile; replaces threonine 1046 with isoleucine.
Molecular consequence: missense variant. On other transcripts: non-coding transcript variant (1).
Genome position (GRCh38, 1-based): chrX:78,031,425, C>T. VCF-style: chrX-78031425-C-T. GRCh37 (hg19) VCF-style: chrX-77286923-C-T.
Other names: c.2903C>T, p.Thr968Ile (NM_001282224.2); short protein forms T1046I, T968I.
Identifiers: ClinVar variation 423830 (VCV000423830.5), dbSNP rs1064796648, ClinGen allele CA16621511.
Genomic context (GRCh38, chrX:78,031,425, plus strand): 5'-GATCATCAAGTCATTGTATCTTAATTTTTTTACAGGTAAAGGTAGTGGTATTTGATAAGA[C>T]TGGAACCATTACTCACGGAACCCCAGTGGTGAATCAAGTAAAGGTTCTAACTGAAAGTAA-3'
Protein context (NP_000043.4, residues 1036-1056): HKVKVVVFDK[Thr1046Ile]GTITHGTPVV